The following is an entry in ClinVar:

NM_000492.4(CFTR):c.1652G>T (p.Gly551Val)

Genes: CFTR (CF transmembrane conductance regulator; plus strand), LOC111674475 (CFTR intron 11 enhancer; plus strand). Cytogenetic location: 7q31.2.
Variant type: single nucleotide variant.
Coding change: c.1652G>T on transcript NM_000492.4 (MANE Select); coding-DNA position 1652, G replaced by T.
Protein change: p.Gly551Val; replaces glycine 551 with valine.
Molecular consequence: missense variant.
Genome position (GRCh38, 1-based): chr7:117,587,806, G>T. VCF-style: chr7-117587806-G-T. GRCh37 (hg19) VCF-style: chr7-117227860-G-T.
Other names: short protein forms G551V.
Identifiers: ClinVar variation 1333303 (VCV001333303.1), dbSNP rs75527207, ClinGen allele CA368976106.

ClinVar aggregate classification (germline): Likely pathogenic (1 of 4 stars; one submission).

Conditions:
Cystic fibrosis (CF). Also called: MUCOVISCIDOSIS. Identifiers: Orphanet 586, MedGen C0010674, MONDO:0009061, OMIM 219700. Disease mechanism: loss of function.

gnomAD v4.1: 1 of 1,609,586 alleles (0.000062%); highest among the groups gnomAD compares: Non-Finnish European, 0.000085%; no homozygotes.

Submission:

3billion
Classification: Likely pathogenic for Cystic fibrosis. Last evaluated: 2022-01-03. Review status: criteria provided, single submitter. Criteria: ACMG Guidelines, 2015. Collection method: clinical testing. Allele origin: germline. Affected: yes. Observed: 1 heterozygote.
Comment: A different missense change at the same codon has been reported as pathogenic/likely pathogenic with strong evidence (ClinVar ID: VCV000007120,VCV000007142, PM5_M). It is not observed in the gnomAD v2.1.1 dataset (PM2_M). The variant is located in a well-established functional domain or exonic hotspot, where pathogenic variants have frequently reported (PM1_M). In silico tool predictions suggest damaging effect of the variant on gene or gene product (REVEL: 0.978, 3CNET: 0.993, PP3_P). Therefore, this variant is classified as likely pathogenic according to the recommendation of ACMG/AMP guideline.